The following is an entry in ClinVar:

ClinVar aggregate classification (germline): Likely benign. Review status: criteria provided, multiple submitters, no conflicts (2 of 4 stars). 3 submissions from 3 submitters: Likely benign (3). Last evaluated 2026-04-28.

Conditions:
KIF7-related disorder. Also called: KIF7-related condition.
Acrocallosal syndrome (ACLS). Also called: Schinzel syndrome 1; Absence of corpus callosum with unusual facial appearance, mental deficiency, duplication of the halluces and polydactyly; HALLUX DUPLICATION, POSTAXIAL POLYDACTYLY, AND ABSENCE OF CORPUS CALLOSUM. Identifiers: Orphanet 36, MedGen C0796147, MONDO:0008708, OMIM 200990.

gnomAD v4.1: 19 of 1,551,602 alleles (0.0012%); highest among the groups gnomAD compares: Middle Eastern, 0.033%; no homozygotes.

Submissions (3):

PreventionGenetics, part of Exact Sciences
Classification: Likely benign for KIF7-related condition. Last evaluated: 2026-04-28. Review status: criteria provided, single submitter. Criteria: ACMG Guidelines, 2015. Collection method: clinical testing. Allele origin: germline.
Comment: This variant is classified as likely benign based on ACMG/AMP sequence variant interpretation guidelines (Richards et al. 2015 PMID: 25741868, with internal and published modifications).

Labcorp Genetics (formerly Invitae), Labcorp
Classification: Likely benign for Acrocallosal syndrome. Last evaluated: 2025-11-25. Review status: criteria provided, single submitter. Criteria: Invitae Variant Classification Sherloc (09022015). Collection method: clinical testing. Allele origin: germline.

CeGaT Center for Human Genetics Tuebingen
Classification: Likely benign. Last evaluated: 2024-03-01. Review status: criteria provided, single submitter. Criteria: CeGaT Center For Human Genetics Tuebingen Variant Classification Criteria Version 2. Collection method: clinical testing. Allele origin: germline. Affected: yes. Observed: 1 variant allele.
Comment: KIF7: BP4, BP7

NM_198525.3(KIF7):c.375C>T (p.Ala125=)

Gene: KIF7 (kinesin family member 7; minus strand). Cytogenetic location: 15q26.1.
Variant type: single nucleotide variant.
Coding change: c.375C>T on transcript NM_198525.3 (MANE Select); coding-DNA position 375, C replaced by T.
Protein change: p.Ala125=; no amino-acid change (alanine 125 retained).
Molecular consequence: synonymous variant.
Genome position (GRCh38, 1-based): chr15:89,649,895, G>A on the plus strand (C>T on the coding strand, the complement: KIF7 is on the minus strand). VCF-style: chr15-89649895-G-A. GRCh37 (hg19) VCF-style: chr15-90193126-G-A.
Other names: c.375C>T (NM_198525.2).
Identifiers: ClinVar variation 1589405 (VCV001589405.30), dbSNP rs370413810, ClinGen allele CA274583154.
Genomic context (GRCh38, chr15:89,649,895, plus strand): 5'-GTAGGACACATGTACCAGACAGTCAAGCAGGTCGTTCTCATCGATGAGCTTGAAGGCCTC[G>A]GCCATGGCCCTCGGGACAATGCCCTGCTCATCCTCAAGGAGGGAGGCTGGGGAGACACCG-3'
Protein context (NP_940927.2, residues 115-135): DEQGIVPRAM[Ala125=]EAFKLIDEND